The following is an entry in ClinVar:

ClinVar aggregate classification (germline): Likely pathogenic (1 of 4 stars; one submission).

Conditions:
Cardiovascular phenotype. Identifiers: MedGen CN230736.

Submission:

Ambry Genetics
Classification: Likely pathogenic for Cardiovascular phenotype. Last evaluated: 2026-01-27. Review status: criteria provided, single submitter. Criteria: Ambry Variant Classification Scheme 2023. Collection method: clinical testing. Allele origin: germline.
Comment: The c.49031dupC variant, located in coding exon 153 of the TTN gene, results from a duplication of C at nucleotide position 49031, causing a translational frameshift with a predicted alternate stop codon (p.N16345Kfs*23). This exon is located in the A-band region of the N2-B isoform of the titin protein and is constitutively expressed in TTN transcripts (percent spliced in or PSI 100%). This variant is expected to result in loss of function by premature protein truncation or nonsense-mediated mRNA decay. While truncating variants in TTN are present in 1-3% of the general population, truncating variants in the A-band are the most common cause of dilated cardiomyopathy (Herman DS et al. N. Engl. J. Med., 2012 Feb;366:619-28; Roberts AM et al. Sci Transl Med, 2015 Jan;7:270ra6). TTN truncating variants encoded in constitutive exons (PSI >90%) have been found to be significantly associated with DCM regardless of their position in titin (Schafer S et al. Nat. Genet., 2017 01;49:46-53; Akhtar MM et al. Circ Heart Fail, 2020 Oct;13:e006832; Massier M et al. Clin Genet, 2025 Jan). This variant is considered to be rare based on population cohorts in the Genome Aggregation Database (gnomAD). Based on the majority of available evidence to date, this variant is likely to be pathogenic.

NM_001267550.2(TTN):c.76226dup (p.Asn25410fs)

Genes: TTN (titin; minus strand), TTN-AS1 (TTN antisense RNA 1; plus strand). Cytogenetic location: 2q31.2.
Variant type: Duplication.
Coding change: c.76226dup on transcript NM_001267550.2 (MANE Select); coding-DNA position 76226, one base duplicated (C; older notation c.76226dupC).
Protein change: p.Asn25410fs; shifts the reading frame from asparagine 25410.
Molecular consequence: frameshift variant.
Genome position (GRCh38, 1-based): chr2:178,569,906, G duplicated on the plus strand (C on the coding strand, the reverse complement: TTN is on the minus strand); the first of 5 consecutive G bases (chr2:178,569,906-178,569,910); duplicating any one gives the same sequence. VCF-style (leftmost placement, unchanged base first): chr2-178569905-T-TG. GRCh37 (hg19) VCF-style: chr2-179434632-T-TG.
Other names: c.71303dup, p.Asn23769fs (NM_001256850.1); c.49031dup, p.Asn16345fs (NM_003319.4); c.49031dupC (NM_003319.4); c.68522dup, p.Asn22842fs (NM_133378.4); c.49406dup, p.Asn16470fs (NM_133432.3); c.49607dup, p.Asn16537fs (NM_133437.4); short protein forms N22842fs, N16345fs, N16537fs, N23769fs, N25410fs, N16470fs.
Identifiers: ClinVar variation 4824725 (VCV004824725.1).